The following is an entry in ClinVar:

NM_000124.4(ERCC6):c.2143G>T (p.Gly715Ter)

Gene: ERCC6 (ERCC excision repair 6, chromatin remodeling factor; minus strand). Cytogenetic location: 10q11.23.
Variant type: single nucleotide variant.
Coding change: c.2143G>T on transcript NM_000124.4 (MANE Select); coding-DNA position 2143, G replaced by T.
Protein change: p.Gly715Ter; replaces glycine 715 with a stop codon.
Molecular consequence: nonsense.
Genome position (GRCh38, 1-based): chr10:49,482,713, C>A on the plus strand (G>T on the coding strand, the complement: ERCC6 is on the minus strand). VCF-style: chr10-49482713-C-A. GRCh37 (hg19) VCF-style: chr10-50690759-C-A.
Other names: c.2143G>T, p.Gly715Ter (NM_001346440.2); short protein forms G715*.
Identifiers: ClinVar variation 856377 (VCV000856377.10), dbSNP rs780538788, ClinGen allele CA5495761.
Genomic context (GRCh38, chr10:49,482,713, plus strand): 5'-AAATGCCAAAAGTATTATCATCCTAATATTTTACCTGTACTGGGGAAGCATTTGAATATC[C>A]CCCCATGGTGATGGGGACGGAGAACTGCTCCATAAACACAGGCAACGTGCCTAACTTTCC-3'

ClinVar aggregate classification (germline): Pathogenic. Review status: criteria provided, multiple submitters, no conflicts (2 of 4 stars). 3 submissions from 3 submitters: Pathogenic (3). Last evaluated 2025-02-27.

Conditions:
Cockayne syndrome. Identifiers: Orphanet 191, MedGen C0009207, MONDO:0016006.
Cockayne syndrome type 2 (CSB). Also called: COCKAYNE SYNDROME B; Cockayne Syndrome, Type II. Identifiers: Orphanet 191, Orphanet 90322, MedGen C0751038, MONDO:0019570, OMIM 133540.

Allele frequency attached by ClinVar (database versions not stated): gnomAD 0.00001 and 0.00002; TOPMed 0.00001.
gnomAD v4.1: 32 of 1,613,444 alleles (0.002%); highest among the groups gnomAD compares: Non-Finnish European, 0.0027%; no homozygotes.

Submissions (3):

Labcorp Genetics (formerly Invitae), Labcorp
Classification: Pathogenic. Last evaluated: 2025-02-27. Review status: criteria provided, single submitter. Criteria: Invitae Variant Classification Sherloc (09022015). Collection method: clinical testing. Allele origin: germline.
Comment: This sequence change creates a premature translational stop signal (p.Gly715*) in the ERCC6 gene. It is expected to result in an absent or disrupted protein product. Loss-of-function variants in ERCC6 are known to be pathogenic (PMID: 18628313, 29572252). This variant is present in population databases (rs780538788, gnomAD 0.006%). This premature translational stop signal has been observed in individual(s) with Cockayne Syndrome (PMID: 19894250, 29572252). ClinVar contains an entry for this variant (Variation ID: 856377). For these reasons, this variant has been classified as Pathogenic.

Women's Health and Genetics/Laboratory Corporation of America, LabCorp
Classification: Pathogenic for Cockayne syndrome. Last evaluated: 2022-11-17. Review status: criteria provided, single submitter. Criteria: LabCorp Variant Classification Summary - May 2015. Collection method: clinical testing. Allele origin: germline.
Comment: Variant summary: ERCC6 c.2143G>T (p.Gly715X) results in a premature termination codon, predicted to cause a truncation of the encoded protein or absence of the protein due to nonsense mediated decay, which are commonly known mechanisms for disease. Truncations downstream of this position have been classified as pathogenic by our laboratory. The variant allele was found at a frequency of 2.4e-05 in 251338 control chromosomes (gnomAD). c.2143G>T has been reported in the literature as a biallelic genotype in individuals affected with Cockayne Syndrome (e.g. Laugel_2010, Tonduti_2018, Calmels_2018). These data indicate that the variant is likely to be associated with disease. To our knowledge, no experimental evidence demonstrating an impact on protein function has been reported. One clinical diagnostic laboratory has submitted a clinical-significance assessment for this variant to ClinVar after 2014 and classified the variant as pathogenic. Based on the evidence outlined above, the variant was classified as pathogenic.

Neuberg Centre For Genomic Medicine, NCGM
Classification: Pathogenic for Cockayne syndrome type 2. Review status: criteria provided, single submitter. Criteria: ACMG Guidelines, 2015. Collection method: clinical testing. Allele origin: germline. Inheritance: Autosomal recessive inheritance. Affected: yes.
Comment: The stop gained c.2143G>T (p.Gly715Ter) variant has been observed in individuals affected with Cockayne Syndrome (Laugel V et al., 2010). The p.Gly715Ter variant has allele frequency 0.0025% in gnomAD exomes and novel (not in any individuals) in 1000 Genomes. This variant has been reported to the ClinVar database as Pathogenic. The nucleotide change c.2143G>T in ERCC6 is predicted as conserved by GERP++ and PhyloP across 100 vertebrates. This variant is predicted to cause loss of normal protein function through protein truncation. Loss of function variants have been previously reported to be disease causing. For these reasons, this variant has been classified as Pathogenic.

Literature cited by the submitters: PubMed 18628313 (cited by Labcorp Genetics (formerly Invitae), Labcorp); PubMed 29572252 (cited by Labcorp Genetics (formerly Invitae), Labcorp and Women's Health and Genetics/Laboratory Corporation of America, LabCorp); PubMed 19894250 (cited by Labcorp Genetics (formerly Invitae), Labcorp and Women's Health and Genetics/Laboratory Corporation of America, LabCorp); PubMed 29955172 (cited by Women's Health and Genetics/Laboratory Corporation of America, LabCorp); PubMed 30111349 (cited by Women's Health and Genetics/Laboratory Corporation of America, LabCorp).